The following is an entry in ClinVar:

NM_000444.6(PHEX):c.1514A>C (p.Asn505Thr)

Gene: PHEX (phosphate regulating endopeptidase X-linked; plus strand). Cytogenetic location: Xp22.11.
Variant type: single nucleotide variant.
Coding change: c.1514A>C on transcript NM_000444.6 (MANE Select); coding-DNA position 1514, A replaced by C.
Protein change: p.Asn505Thr; replaces asparagine 505 with threonine.
Molecular consequence: missense variant.
Genome position (GRCh38, 1-based): chrX:22,178,304, A>C. VCF-style: chrX-22178304-A-C. GRCh37 (hg19) VCF-style: chrX-22196421-A-C.
Other names: c.1514A>C, p.Asn505Thr (NM_001282754.2); short protein forms N505T.
Identifiers: ClinVar variation 3660486 (VCV003660486.2).

ClinVar aggregate classification (germline): Uncertain significance (1 of 4 stars; one submission).

Submission:

Labcorp Genetics (formerly Invitae), Labcorp
Classification: Uncertain significance. Last evaluated: 2024-07-24. Review status: criteria provided, single submitter. Criteria: Invitae Variant Classification Sherloc (09022015). Collection method: clinical testing. Allele origin: germline.
Comment: This sequence change replaces asparagine, which is neutral and polar, with threonine, which is neutral and polar, at codon 505 of the PHEX protein (p.Asn505Thr). This variant is not present in population databases (gnomAD no frequency). This variant has not been reported in the literature in individuals affected with PHEX-related conditions. Advanced modeling of protein sequence and biophysical properties (such as structural, functional, and spatial information, amino acid conservation, physicochemical variation, residue mobility, and thermodynamic stability) performed at Invitae indicates that this missense variant is expected to disrupt PHEX protein function with a positive predictive value of 80%. In summary, the available evidence is currently insufficient to determine the role of this variant in disease. Therefore, it has been classified as a Variant of Uncertain Significance.